The following is an entry in ClinVar:

NM_006231.4(POLE):c.6836A>G (p.Gln2279Arg)

Gene: POLE (DNA polymerase epsilon, catalytic subunit; minus strand). Cytogenetic location: 12q24.33.
Variant type: single nucleotide variant.
Coding change: c.6836A>G on transcript NM_006231.4 (MANE Select); coding-DNA position 6836, A replaced by G.
Protein change: p.Gln2279Arg; replaces glutamine 2279 with arginine.
Molecular consequence: missense variant.
Genome position (GRCh38, 1-based): chr12:132,624,722, T>C on the plus strand (A>G on the coding strand, the complement: POLE is on the minus strand). VCF-style: chr12-132624722-T-C. GRCh37 (hg19) VCF-style: chr12-133201308-T-C.
Other names: short protein forms Q2279R.
Identifiers: ClinVar variation 941176 (VCV000941176.14), dbSNP rs1593693369, ClinGen allele CA387365622.

ClinVar aggregate classification (germline): Uncertain significance. Review status: criteria provided, multiple submitters, no conflicts (2 of 4 stars). 3 submissions from 3 submitters: Uncertain significance (3). Last evaluated 2025-08-20.

Conditions:
Hereditary cancer-predisposing syndrome. Also called: Hereditary neoplastic syndrome; Neoplastic Syndromes, Hereditary; Tumor predisposition; Hereditary Cancer Syndrome. Identifiers: Orphanet 140162, MedGen C0027672, MeSH D009386, MONDO:0015356.

Submissions (3):

Labcorp Genetics (formerly Invitae), Labcorp
Classification: Uncertain significance. Last evaluated: 2025-08-20. Review status: criteria provided, single submitter. Criteria: Invitae Variant Classification Sherloc (09022015). Collection method: clinical testing. Allele origin: germline.
Comment: This sequence change replaces glutamine, which is neutral and polar, with arginine, which is basic and polar, at codon 2279 of the POLE protein (p.Gln2279Arg). This variant is not present in population databases (gnomAD no frequency). This variant has not been reported in the literature in individuals affected with POLE-related conditions. ClinVar contains an entry for this variant (Variation ID: 941176). An algorithm developed to predict the effect of missense changes on protein structure and function (PolyPhen-2) suggests that this variant is likely to be tolerated. In summary, the available evidence is currently insufficient to determine the role of this variant in disease. Therefore, it has been classified as a Variant of Uncertain Significance.

Center for Genomic Medicine, Rigshospitalet, Copenhagen University Hospital
Classification: Uncertain significance. Last evaluated: 2025-03-04. Review status: criteria provided, single submitter. Criteria: ACMG Guidelines, 2015. Collection method: clinical testing. Allele origin: germline.

Ambry Genetics
Classification: Uncertain significance for Hereditary cancer-predisposing syndrome. Last evaluated: 2022-07-02. Review status: criteria provided, single submitter. Criteria: Ambry Variant Classification Scheme 2023. Collection method: clinical testing. Allele origin: germline.
Comment: The p.Q2279R variant (also known as c.6836A>G), located in coding exon 49 of the POLE gene, results from an A to G substitution at nucleotide position 6836. The glutamine at codon 2279 is replaced by arginine, an amino acid with highly similar properties. This amino acid position is conserved. In addition, this alteration is predicted to be tolerated by in silico analysis. Since supporting evidence is limited at this time, the clinical significance of this alteration remains unclear.